The following is an entry in ClinVar:

ClinVar aggregate classification (germline): Uncertain significance. Review status: criteria provided, multiple submitters, no conflicts (2 of 4 stars). 8 submissions from 8 submitters: Uncertain significance (7). 1 of the submissions does not count toward it. Last evaluated 2025-01-15.

Conditions:
Inborn genetic diseases. Identifiers: MedGen C0950123, MeSH D030342.
Congenital myasthenic syndrome 4C (CMS4C). Also called: Myasthenic syndrome, congenital, associated with acetylcholine receptor deficiency. Identifiers: Orphanet 590, MedGen C1837091, MONDO:0012157, OMIM 608931.
Congenital myasthenic syndrome 4B. Also called: Myasthenic syndrome, congenital, 4b, fast-channel. Identifiers: Orphanet 590, MedGen C4225369, MONDO:0014586, OMIM 616324.
Congenital myasthenic syndrome 4A. Also called: CONGENITAL MYASTHENIC SYNDROME TYPE Ia1; Myasthenic syndrome, congenital, 4a, slow-channel; MYASTHENIC SYNDROME, CONGENITAL, 4A, SLOW-CHANNEL, AUTOSOMAL RECESSIVE. Identifiers: Orphanet 590, MedGen C4225413, MONDO:0011600, OMIM 605809.
Congenital myasthenic syndrome (CMS). Also called: Congenital Myasthenic Syndromes. Identifiers: Orphanet 590, MedGen C0751882, MeSH D020294, MONDO:0018940.

Allele frequency attached by ClinVar (database versions not stated): 1000 Genomes Project 30x 0.00016; 1000 Genomes Project 0.00020; gnomAD 0.00042 and 0.00044; TOPMed 0.00044; ExAC 0.00029; gnomAD exomes 0.00026; ESP Exome Variant Server 0.00046.
gnomAD v4.1: 597 of 1,614,082 alleles (0.037%); highest among the groups gnomAD compares: Admixed American, 0.055%; 2 homozygotes.

Submissions (8):

Labcorp Genetics (formerly Invitae), Labcorp
Classification: Uncertain significance for Congenital myasthenic syndrome 4A. Last evaluated: 2025-01-15. Review status: criteria provided, single submitter. Criteria: Invitae Variant Classification Sherloc (09022015). Collection method: clinical testing. Allele origin: germline.
Comment: This sequence change replaces isoleucine, which is neutral and non-polar, with threonine, which is neutral and polar, at codon 194 of the CHRNE protein (p.Ile194Thr). This variant is present in population databases (rs146931108, gnomAD 0.05%). This variant has not been reported in the literature in individuals affected with CHRNE-related conditions. ClinVar contains an entry for this variant (Variation ID: 534259). Invitae Evidence Modeling of protein sequence and biophysical properties (such as structural, functional, and spatial information, amino acid conservation, physicochemical variation, residue mobility, and thermodynamic stability) has been performed for this missense variant. However, the output from this modeling did not meet the statistical confidence thresholds required to predict the impact of this variant on CHRNE protein function. In summary, the available evidence is currently insufficient to determine the role of this variant in disease. Therefore, it has been classified as a Variant of Uncertain Significance.

Women's Health and Genetics/Laboratory Corporation of America, LabCorp
Classification: Uncertain significance. Last evaluated: 2023-06-06. Review status: criteria provided, single submitter. Criteria: LabCorp Variant Classification Summary - May 2015. Collection method: clinical testing. Allele origin: germline.
Comment: Variant summary: CHRNE c.581T>C (p.Ile194Thr) results in a non-conservative amino acid change located in the Neurotransmitter-gated ion-channel ligand-binding domain (IPR006202) of the encoded protein sequence. Five of five in-silico tools predict a damaging effect of the variant on protein function. The variant allele was found at a frequency of 0.00026 in 250474 control chromosomes (gnomAD). This frequency is not significantly higher than estimated for a pathogenic variant in CHRNE causing Congenital Myasthenic Syndrome (0.00026 vs 0.0025), allowing no conclusion about variant significance. To our knowledge, no occurrence of c.581T>C in individuals affected with Congenital Myasthenic Syndrome and no experimental evidence demonstrating its impact on protein function have been reported. Seven clinical diagnostic laboratories have submitted clinical-significance assessments for this variant to ClinVar after 2014 and all classified the variant as uncertain significance. Based on the evidence outlined above, the variant was classified as uncertain significance.

Revvity Omics, Revvity
Classification: Uncertain significance. Last evaluated: 2023-05-10. Review status: criteria provided, single submitter. Criteria: ACMG Guidelines, 2015. Collection method: clinical testing. Allele origin: germline.

Fulgent Genetics
Classification: Uncertain significance for Congenital myasthenic syndrome 4A; Congenital myasthenic syndrome 4C; Congenital myasthenic syndrome 4B. Last evaluated: 2022-05-27. Review status: criteria provided, single submitter. Criteria: ACMG Guidelines, 2015. Collection method: clinical testing. Allele origin: unknown.

Ambry Genetics
Classification: Uncertain significance for Inborn genetic diseases. Last evaluated: 2021-09-14. Review status: criteria provided, single submitter. Criteria: Ambry Variant Classification Scheme 2023. Collection method: clinical testing. Allele origin: germline.

Baylor Genetics
Classification: Uncertain significance for Congenital myasthenic syndrome 4A. Last evaluated: 2018-02-21. Review status: criteria provided, single submitter. Criteria: ACMG Guidelines, 2015. Collection method: clinical testing. Allele origin: maternal. Affected: yes.
Comment: This variant was determined to be of uncertain significance according to ACMG Guidelines, 2015 [PMID:25741868].

Illumina Laboratory Services, Illumina
Classification: Uncertain significance for Congenital myasthenic syndrome. Last evaluated: 2018-01-13. Review status: criteria provided, single submitter. Criteria: ICSL Variant Classification Criteria 13 December 2019. Collection method: clinical testing. Allele origin: germline.

Natera, Inc.
Classification: Uncertain significance for Congenital myasthenic syndrome. Last evaluated: 2020-01-24. Review status: no assertion criteria provided. Collection method: clinical testing. Allele origin: germline. Not counted in ClinVar's aggregate classification.

NM_000080.4(CHRNE):c.581T>C (p.Ile194Thr)

Genes: C17orf107 (chromosome 17 open reading frame 107; plus strand), CHRNE (cholinergic receptor nicotinic epsilon subunit; minus strand). Cytogenetic location: 17p13.2.
Variant type: single nucleotide variant.
Coding change: c.581T>C on transcript NM_000080.4 (MANE Select); coding-DNA position 581, T replaced by C.
Protein change: p.Ile194Thr; replaces isoleucine 194 with threonine.
Molecular consequence: missense variant. On other transcripts: 3 prime UTR variant (1).
Genome position (GRCh38, 1-based): chr17:4,901,545, A>G on the plus strand (T>C on the coding strand, the complement: CHRNE is on the minus strand). VCF-style: chr17-4901545-A-G. GRCh37 (hg19) VCF-style: chr17-4804840-A-G.
Other names: c.*1012A>G (NM_001145536.2); short protein forms I194T.
Identifiers: ClinVar variation 534259 (VCV000534259.17), dbSNP rs146931108, ClinGen allele CA8314356.